The following is an entry in ClinVar:

ClinVar aggregate classification (germline): Pathogenic (1 of 4 stars; one submission).

Conditions:
Bailey-Bloch congenital myopathy (CMYO13). Also called: Native American myopathy; STAC3 disorder; Congenital myopathy 13. Identifiers: Orphanet 168572, MedGen C1850625, MONDO:0009722, OMIM 255995.

Submission:

Labcorp Genetics (formerly Invitae), Labcorp
Classification: Pathogenic for Bailey-Bloch congenital myopathy. Last evaluated: 2024-04-05. Review status: criteria provided, single submitter. Criteria: Invitae Variant Classification Sherloc (09022015). Collection method: clinical testing. Allele origin: germline.
Comment: This sequence change creates a premature translational stop signal (p.His128Leufs*20) in the STAC3 gene. It is expected to result in an absent or disrupted protein product. Loss-of-function variants in STAC3 are known to be pathogenic (PMID: 28411587, 28777491). This variant is not present in population databases (gnomAD no frequency). This variant has not been reported in the literature in individuals affected with STAC3-related conditions. ClinVar contains an entry for this variant (Variation ID: 465659). For these reasons, this variant has been classified as Pathogenic.

Literature cited by the submitters: PubMed 28411587; PubMed 28777491.

NM_145064.3(STAC3):c.383_399del (p.His128fs)

Gene: STAC3 (SH3 and cysteine rich domain 3; minus strand). Cytogenetic location: 12q13.3.
Variant type: Deletion.
Coding change: c.383_399del on transcript NM_145064.3 (MANE Select); coding-DNA positions 383 to 399, 17 bases deleted (ATGAACACTGTCAGTCC).
Protein change: p.His128fs; shifts the reading frame from histidine 128.
Molecular consequence: frameshift variant. On other transcripts: intron variant (1).
Genome position (GRCh38, 1-based): chr12:57,248,739-57,248,755, GGACTGACAGTGTTCAT deleted on the plus strand (ATGAACACTGTCAGTCC on the coding strand, the reverse complement: STAC3 is on the minus strand); deleting any 17 consecutive bases within chr12:57,248,739-57,248,758 gives the same sequence; the c. name uses the placement nearest the transcript's 3' end. VCF-style (leftmost placement, unchanged base first): chr12-57248738-AGGACTGACAGTGTTCAT-A. GRCh37 (hg19) VCF-style: chr12-57642521-AGGACTGACAGTGTTCAT-A.
Other names: c.-126-557_-126-541del (NM_001286257.2); c.266_282del, p.His89fs (NM_001286256.2); short protein forms H89fs, H128fs.
Identifiers: ClinVar variation 465659 (VCV000465659.10), dbSNP rs1555194630, ClinGen allele CA658656298.